The following is an entry in ClinVar:

NM_001267550.2(TTN):c.54999dup (p.Cys18334fs)

Genes: TTN-AS1 (TTN antisense RNA 1; plus strand), TTN (titin; minus strand). Cytogenetic location: 2q31.2.
Variant type: Duplication.
Coding change: c.54999dup on transcript NM_001267550.2 (MANE Select); coding-DNA position 54999, one base duplicated (A; older notation c.54999dupA).
Protein change: p.Cys18334fs; shifts the reading frame from cysteine 18334.
Molecular consequence: frameshift variant.
Genome position (GRCh38, 1-based): chr2:178,602,403, T duplicated on the plus strand (A on the coding strand, the reverse complement: TTN is on the minus strand); the first of 2 consecutive T bases (chr2:178,602,403-178,602,404); duplicating either gives the same sequence. VCF-style (leftmost placement, unchanged base first): chr2-178602402-A-AT. GRCh37 (hg19) VCF-style: chr2-179467129-A-AT.
Other names: c.27804dupA (NM_003319.4); c.50076dup, p.Cys16693fs (NM_001256850.1); c.27804dup, p.Cys9269fs (NM_003319.4); c.47295dup, p.Cys15766fs (NM_133378.4); c.28179dup, p.Cys9394fs (NM_133432.3); c.28380dup, p.Cys9461fs (NM_133437.4); short protein forms C9269fs, C9394fs, C16693fs, C9461fs, C15766fs, C18334fs.
Identifiers: ClinVar variation 2953853 (VCV002953853.4), dbSNP rs2470048518, ClinGen allele CA2740096106.

ClinVar aggregate classification (germline): Likely pathogenic. Review status: criteria provided, multiple submitters, no conflicts (2 of 4 stars). 2 submissions from 2 submitters: Likely pathogenic (2). Last evaluated 2023-11-14.

Conditions:
Cardiovascular phenotype. Identifiers: MedGen CN230736.
Autosomal recessive limb-girdle muscular dystrophy type 2J (LGMDR10). Also called: Limb-girdle muscular dystrophy, type 2J; MUSCULAR DYSTROPHY, LIMB-GIRDLE, AUTOSOMAL RECESSIVE 10. Identifiers: Orphanet 140922, MedGen C1837342, MONDO:0012127, OMIM 608807.
Dilated cardiomyopathy 1G (CMD1G). Identifiers: Orphanet 154, MedGen C1858763, MONDO:0011400, OMIM 604145.

Submissions (2):

Labcorp Genetics (formerly Invitae), Labcorp
Classification: Likely pathogenic for Dilated cardiomyopathy 1G; Autosomal recessive limb-girdle muscular dystrophy type 2J. Last evaluated: 2023-11-14. Review status: criteria provided, single submitter. Criteria: Invitae Variant Classification Sherloc (09022015). Collection method: clinical testing. Allele origin: germline.
Comment: This sequence change creates a premature translational stop signal (p.Cys18334Metfs*5) in the TTN gene. While this is not anticipated to result in nonsense mediated decay, it is expected to create a truncated TTN protein. This variant is not present in population databases (gnomAD no frequency). This variant has not been reported in the literature in individuals affected with TTN-related conditions. This variant is located in the A band of TTN (PMID: 25589632). Truncating variants in this region are significantly overrepresented in patients affected with dilated cardiomyopathy (PMID: 25589632). Truncating variants in this region have also been reported in individuals affected with autosomal recessive centronuclear myopathy (PMID: 23975875). In summary, the currently available evidence indicates that the variant is pathogenic, but additional data are needed to prove that conclusively. Therefore, this variant has been classified as Likely Pathogenic.

Ambry Genetics
Classification: Likely pathogenic for Cardiovascular phenotype. Last evaluated: 2023-10-03. Review status: criteria provided, single submitter. Criteria: Ambry Variant Classification Scheme 2023. Collection method: clinical testing. Allele origin: germline.
Comment: The c.27804dupA variant, located in coding exon 110 of the TTN gene, results from a duplication of A at nucleotide position 27804, causing a translational frameshift with a predicted alternate stop codon (p.C9269Mfs*5). This exon is located in the A-band region of the N2-B isoform of the titin protein and is constitutively expressed in TTN transcripts (percent spliced in or PSI 100%). This variant is considered to be rare based on population cohorts in the Genome Aggregation Database (gnomAD). This alteration is expected to result in loss of function by premature protein truncation or nonsense-mediated mRNA decay. While truncating variants in TTN are present in 1-3% of the general population, truncating variants in the A-band are the most common cause of dilated cardiomyopathy (DCM) (Herman DS et al. N. Engl. J. Med., 2012 Feb;366:619-28; Roberts AM et al. Sci Transl Med, 2015 Jan;7:270ra6). TTN truncating variants encoded in constitutive exons (PSI >90%) have been found to be significantly associated with DCM regardless of their position in titin (Schafer S et al. Nat. Genet., 2017 01;49:46-53). Based on the majority of available evidence to date, this variant is likely to be pathogenic.

Literature cited by the submitters: PubMed 25589632 (cited by Labcorp Genetics (formerly Invitae), Labcorp); PubMed 23975875 (cited by Labcorp Genetics (formerly Invitae), Labcorp).